The following is an entry in ClinVar:

ClinVar aggregate classification (germline): Uncertain significance (1 of 4 stars; one submission).

Allele frequency attached by ClinVar (database versions not stated): ExAC 0.00006; gnomAD exomes 0.00008; gnomAD 0.00010; 1000 Genomes Project 30x 0.00016; TOPMed 0.00019; 1000 Genomes Project 0.00020.
gnomAD v4.1: 102 of 1,612,964 alleles (0.0063%); highest among the groups gnomAD compares: Admixed American, 0.033%; no homozygotes.

Submission:

Labcorp Genetics (formerly Invitae), Labcorp
Classification: Uncertain significance. Last evaluated: 2023-12-11. Review status: criteria provided, single submitter. Criteria: Invitae Variant Classification Sherloc (09022015). Collection method: clinical testing. Allele origin: germline.
Comment: This sequence change replaces valine, which is neutral and non-polar, with methionine, which is neutral and non-polar, at codon 256 of the SLC9A3 protein (p.Val256Met). This variant is present in population databases (rs534607238, gnomAD 0.06%). This variant has not been reported in the literature in individuals affected with SLC9A3-related conditions. ClinVar contains an entry for this variant (Variation ID: 1419074). Advanced modeling of protein sequence and biophysical properties (such as structural, functional, and spatial information, amino acid conservation, physicochemical variation, residue mobility, and thermodynamic stability) performed at Invitae indicates that this missense variant is expected to disrupt SLC9A3 protein function with a positive predictive value of 80%. In summary, the available evidence is currently insufficient to determine the role of this variant in disease. Therefore, it has been classified as a Variant of Uncertain Significance.

NM_004174.4(SLC9A3):c.766G>A (p.Val256Met)

Gene: SLC9A3 (solute carrier family 9 member A3). Cytogenetic location: 5p15.33.
Variant type: single nucleotide variant.
Coding change: c.766G>A on transcript NM_004174.4 (MANE Select); coding-DNA position 766, G replaced by A.
Protein change: p.Val256Met; replaces valine 256 with methionine.
Molecular consequence: missense variant.
Genome position (GRCh38, 1-based): chr5:484,686, C>T on the plus strand (G>A on the coding strand, the complement: SLC9A3 is on the minus strand). VCF-style: chr5-484686-C-T. GRCh37 (hg19) VCF-style: chr5-484801-C-T.
Other names: c.766G>A, p.Val256Met (NM_001284351.3); short protein forms V256M.
Identifiers: ClinVar variation 1419074 (VCV001419074.6), dbSNP rs534607238, ClinGen allele CA3176179.
Genomic context (GRCh38, chr5:484,686, plus strand): 5'-TCACCAGCGACAGCAGGAAGGCGAAGACCACCCCCACCAGCGTGCCCCCCAGGCTCACCA[C>T]GAAGAAGGACACTGGGTAGAGGACGCCCTTTGTGGCCGTGCCGGCCTTCCGGGCCCTTCC-3'
Protein context (NP_004165.2, residues 246-266): DCVKGIVSFF[Val256Met]VSLGGTLVGV